The following is an entry in ClinVar:

NM_001242882.2(NAXD):c.742A>G (p.Ser248Gly)

Gene: NAXD (NAD(P)HX dehydratase; plus strand). Cytogenetic location: 13q34.
Variant type: single nucleotide variant.
Coding change: c.742A>G on transcript NM_001242882.2 (MANE Select); coding-DNA position 742, A replaced by G.
Protein change: p.Ser248Gly; replaces serine 248 with glycine.
Molecular consequence: missense variant. On other transcripts: non-coding transcript variant (2).
Genome position (GRCh38, 1-based): chr13:110,637,152, A>G. VCF-style: chr13-110637152-A-G. GRCh37 (hg19) VCF-style: chr13-111289499-A-G.
Other names: c.796A>G, p.Ser266Gly (NM_001242881.2, NM_018210.4); c.466A>G, p.Ser156Gly (NM_001242883.2); short protein forms S156G, S266G, S248G.
Identifiers: ClinVar variation 2129066 (VCV002129066.4), dbSNP rs2501710136, ClinGen allele CA388735495.

ClinVar aggregate classification (germline): Uncertain significance (1 of 4 stars; one submission).

gnomAD v4.1: 2 of 1,613,686 alleles (0.00012%); no homozygotes.

Submission:

Labcorp Genetics (formerly Invitae), Labcorp
Classification: Uncertain significance. Last evaluated: 2023-07-17. Review status: criteria provided, single submitter. Criteria: Invitae Variant Classification Sherloc (09022015). Collection method: clinical testing. Allele origin: germline.
Comment: ClinVar contains an entry for this variant (Variation ID: 2129066). In summary, the available evidence is currently insufficient to determine the role of this variant in disease. Therefore, it has been classified as a Variant of Uncertain Significance. Advanced modeling of protein sequence and biophysical properties (such as structural, functional, and spatial information, amino acid conservation, physicochemical variation, residue mobility, and thermodynamic stability) performed at Invitae indicates that this missense variant is not expected to disrupt NAXD protein function. This variant has not been reported in the literature in individuals affected with NAXD-related conditions. This variant is not present in population databases (gnomAD no frequency). This sequence change replaces serine, which is neutral and polar, with glycine, which is neutral and non-polar, at codon 266 of the NAXD protein (p.Ser266Gly).